The following is an entry in ClinVar:

NM_006019.4(TCIRG1):c.1297C>T (p.Gln433Ter)

Gene: TCIRG1 (T cell immune regulator 1, ATPase H+ transporting V0 subunit a3; plus strand). Cytogenetic location: 11q13.2.
Variant type: single nucleotide variant.
Coding change: c.1297C>T on transcript NM_006019.4 (MANE Select); coding-DNA position 1297, C replaced by T.
Protein change: p.Gln433Ter; replaces glutamine 433 with a stop codon.
Molecular consequence: nonsense.
Genome position (GRCh38, 1-based): chr11:68,047,564, C>T. VCF-style: chr11-68047564-C-T. GRCh37 (hg19) VCF-style: chr11-67815031-C-T.
Other names: c.403C>T, p.Gln135Ter (NM_001351059.2); c.649C>T, p.Gln217Ter (NM_006053.4); short protein forms Q433*, Q135*, Q217*.
Identifiers: ClinVar variation 305804 (VCV000305804.31), dbSNP rs777785526, ClinGen allele CA6147051.

ClinVar aggregate classification (germline): Pathogenic/Likely pathogenic. Review status: criteria provided, multiple submitters, no conflicts (2 of 4 stars). 12 submissions from 12 submitters: Pathogenic (9); Likely pathogenic (1). 2 of the submissions do not count toward it. Last evaluated 2025-09-24.

Conditions:
Autosomal recessive osteopetrosis 1. Also called: ALBERS-SCHONBERG DISEASE, AUTOSOMAL RECESSIVE; TCIRG1-Related Autosomal Recessive Osteopetrosis; TCIRG1-Related Osteopetrosis. Identifiers: Orphanet 667, MedGen C1850127, MONDO:0009815, OMIM 259700.
TCIRG1-related disorder. Also called: TCIRG1-related condition.

Allele frequency attached by ClinVar (database versions not stated): gnomAD 0.00001; TOPMed 0.00001; gnomAD exomes 0.00002 and 0.00005; ExAC 0.00007.

Submissions (12):

Natera, Inc.
Classification: Pathogenic for Infantile malignant osteopetrosis. Last evaluated: 2025-09-24. Review status: criteria provided, single submitter. Criteria: Natera Variant Classification Schema (03/2026). Collection method: clinical testing. Allele origin: germline.
Comment: The c.1297C>T variant in TCIRG1 is a nonsense variant predicted to introduce a stop codon at amino acid 433. This variant is expected to result in nonsense mediated decay, truncation, or a dysfunctional protein product. This variant is rare in the general population with a frequency below the threshold expected for the associated phenotype(s). This variant has been observed in one or more individuals affected with the associated recessive disease, as either homozygous or compound heterozygous with a second variant (PMID: 15300850, 11532986). Given the available evidence, this variant is classified as Pathogenic.

3billion
Classification: Pathogenic for Autosomal recessive osteopetrosis 1. Last evaluated: 2025-08-25. Review status: criteria provided, single submitter. Criteria: ACMG Guidelines, 2015. Collection method: clinical testing. Allele origin: germline. Affected: yes.
Comment: The variant is observed at an extremely low frequency in the gnomAD v4.1.0 dataset (total allele frequency: 0.002%). Predicted Consequence/Location: Stop-gained (nonsense): predicted to result in a loss or disruption of normal protein function through nonsense-mediated decay (NMD) or protein truncation. Multiple pathogenic variants are reported downstream of the variant. The variant has been reported at least twice as pathogenic with clinical assertions and evidence for the classification (ClinVar ID: VCV000305804 /PMID: 11532986). Therefore, this variant is classified as Pathogenic according to the recommendation of ACMG/AMP guideline.

PreventionGenetics, part of Exact Sciences
Classification: Pathogenic for TCIRG1-related condition. Last evaluated: 2025-04-02. Review status: criteria provided, single submitter. Criteria: ACMG Guidelines, 2015. Collection method: clinical testing. Allele origin: germline.
Comment: The TCIRG1 c.1297C>T variant is predicted to result in premature protein termination (p.Gln433*). This variant has been reported in individuals with osteopetrosis (See for example, Sobacchi et al. 2001. PubMed ID: 11532986; Susani et al. 2004. PubMed ID: 15300850). This variant is reported in 0.020% of alleles in individuals of European (Finnish) descent in gnomAD. Nonsense variants in TCIRG1 are expected to be pathogenic. This variant is interpreted as pathogenic.

Johns Hopkins Genomics, Johns Hopkins University
Classification: Pathogenic for Autosomal recessive osteopetrosis 1. Last evaluated: 2024-08-29. Review status: criteria provided, single submitter. Criteria: ACMG Guidelines, 2015. Collection method: clinical testing. Allele origin: germline.
Comment: This TCIRG1 variant has been identified in homozygous and compound heterozygous states in unrelated patients with osteopetrosis. This variant (rs777785526) is rare (<0.1%) in a large population dataset (gnomAD v4.1.0: 36/1613686 total alleles; 0.002%; no homozygotes) and has been reported in ClinVar (Variation ID 305804). This nonsense variant results in a premature stop codon in exon 11 of 20, likely leading to nonsense-mediated decay and lack of protein production. We consider c.1297C>T in TCIRG1 to be pathogenic.

Blueprint Genetics
Classification: Pathogenic for TCIRG1-related disorders. Last evaluated: 2024-06-12. Review status: criteria provided, single submitter. Criteria: ACMG Guidelines, 2015. Collection method: clinical testing. Allele origin: germline. Affected: yes. Observed: 5 variant alleles.

Labcorp Genetics (formerly Invitae), Labcorp
Classification: Pathogenic. Last evaluated: 2024-06-05. Review status: criteria provided, single submitter. Criteria: Invitae Variant Classification Sherloc (09022015). Collection method: clinical testing. Allele origin: germline.
Comment: This sequence change creates a premature translational stop signal (p.Gln433*) in the TCIRG1 gene. It is expected to result in an absent or disrupted protein product. Loss-of-function variants in TCIRG1 are known to be pathogenic (PMID: 10888887, 10942435, 11532986, 19448635). This variant is present in population databases (rs777785526, gnomAD 0.02%). This premature translational stop signal has been observed in individuals with osteopetrosis (PMID: 11532986, 15300850). ClinVar contains an entry for this variant (Variation ID: 305804). For these reasons, this variant has been classified as Pathogenic.

Fulgent Genetics
Classification: Pathogenic for Autosomal recessive osteopetrosis 1. Last evaluated: 2024-05-23. Review status: criteria provided, single submitter. Criteria: ACMG Guidelines, 2015. Collection method: clinical testing. Allele origin: germline.

Baylor Genetics
Classification: Pathogenic for Autosomal recessive osteopetrosis 1. Last evaluated: 2023-11-30. Review status: criteria provided, single submitter. Criteria: ACMG Guidelines, 2015. Collection method: clinical testing. Allele origin: unknown.

Centre for Mendelian Genomics, University Medical Centre Ljubljana
Classification: Likely pathogenic for Autosomal recessive osteopetrosis 1. Last evaluated: 2018-11-06. Review status: criteria provided, single submitter. Criteria: ACMG Guidelines, 2015. Collection method: clinical testing. Allele origin: unknown. Affected: yes.
Comment: This variant was classified as: Likely pathogenic. The following ACMG criteria were applied in classifying this variant: PM2,PP3,PP5.

Genomic Research Center, Shahid Beheshti University of Medical Sciences
Classification: Pathogenic for Osteopetrosis autosomal recessive 1. Last evaluated: 2018-08-07. Review status: criteria provided, single submitter. Criteria: ACMG Guidelines, 2015. Collection method: clinical testing. Allele origin: inherited. Affected: no. Observed: 1 variant allele.

Counsyl
Classification: Pathogenic for Autosomal recessive osteopetrosis 1. Last evaluated: 2017-11-26. Review status: no assertion criteria provided. Collection method: clinical testing. Allele origin: unknown. Not counted in ClinVar's aggregate classification.

Clinic of Clinical Immunology with Stem Cell Bank, Expert Centre for Rare Diseases - PID, University Hospital "Alexandrovska"
Classification: Pathogenic for Autosomal recessive osteopetrosis 1. Review status: no assertion criteria provided. Collection method: clinical testing. Allele origin: germline. Not counted in ClinVar's aggregate classification.

Literature cited by the submitters: PubMed 15300850 (cited by 4 submitters); PubMed 11532986 (cited by 5 submitters); PubMed 23907031 (cited by Johns Hopkins Genomics, Johns Hopkins University); PubMed 10888887 (cited by Labcorp Genetics (formerly Invitae), Labcorp); PubMed 10942435 (cited by Labcorp Genetics (formerly Invitae), Labcorp); PubMed 19448635 (cited by Labcorp Genetics (formerly Invitae), Labcorp).